The following is an entry in ClinVar:

NM_207122.2(EXT2):c.442_455del (p.Asn148fs)

Gene: EXT2 (exostosin glycosyltransferase 2; plus strand). Cytogenetic location: 11p11.2.
Variant type: Deletion.
Coding change: c.442_455del on transcript NM_207122.2 (MANE Select); coding-DNA positions 442 to 455, 14 bases deleted (AACCGGGCCTGTCT).
Protein change: p.Asn148fs; shifts the reading frame from asparagine 148.
Molecular consequence: frameshift variant.
Genome position (GRCh38, 1-based): chr11:44,108,154-44,108,167, AACCGGGCCTGTCT deleted. VCF-style (leftmost placement, unchanged base first): chr11-44108153-CAACCGGGCCTGTCT-C. GRCh37 (hg19) VCF-style: chr11-44129703-CAACCGGGCCTGTCT-C.
Other names: c.541_554del, p.Asn181fs (NM_000401.3); c.442_455del, p.Asn148fs (NM_001178083.3, NM_001389628.1, NM_001389630.1); short protein forms N181fs, N148fs.
Identifiers: ClinVar variation 817826 (VCV000817826.1), dbSNP rs1590548183, ClinGen allele CA915948121.
Genomic context (GRCh38, chr11:44,108,153, plus strand): 5'-CCGGGAGTATAATGAACTGCTCATGGCCATCTCAGACAGTGACTACTACACTGATGACAT[CAACCGGGCCTGTCT>C]GTTTGTTCCCTCCATCGATGTGCTTAACCAGAACACACTGCGCATCAAGGAGACAGCACA-3'

ClinVar aggregate classification (germline): Pathogenic (1 of 4 stars; one submission).

Submission:

GeneDx
Classification: Pathogenic. Last evaluated: 2018-09-27. Review status: criteria provided, single submitter. Criteria: GeneDx Variant Classification (06012015). Collection method: clinical testing. Allele origin: germline. Affected: yes.
Comment: The c.442_455del14 variant in the EXT2 gene has not been reported previously as a pathogenic variant nor as a benign variant, to our knowledge. The c.442_455del14 variant causes a frameshift starting with codon Asparagine 148, changes this amino acid to a Valine residue, and creates a premature Stop codon at position 9 of the new reading frame, denoted p.Asn148ValfsX9. This variant is predicted to cause loss of normal protein function either through protein truncation or nonsense-mediated mRNA decay. The c.442_455del14 variant is not observed in large population cohorts (Lek et al., 2016). We interpret c.442_455del14 as a pathogenic variant